The following is an entry in ClinVar:

ClinVar aggregate classification (germline): Pathogenic. Review status: criteria provided, multiple submitters, no conflicts (2 of 4 stars). 3 submissions from 3 submitters: Pathogenic (2). 1 of the submissions does not count toward it. Last evaluated 2024-01-09.

Conditions:
Focal segmental glomerulosclerosis 5 (FSGS5). Identifiers: Orphanet 656, MedGen C2750475, MONDO:0013191, OMIM 613237.
Charcot-Marie-Tooth disease dominant intermediate E. Also called: CHARCOT-MARIE-TOOTH NEUROPATHY WITH FOCAL SEGMENTAL GLOMERULONEPHRITIS. Identifiers: Orphanet 93114, MedGen C4302667, MONDO:0013758, OMIM 614455.

Submissions (3):

Fulgent Genetics
Classification: Pathogenic for Focal segmental glomerulosclerosis 5; Charcot-Marie-Tooth disease dominant intermediate E. Last evaluated: 2024-01-09. Review status: criteria provided, single submitter. Criteria: ACMG Guidelines, 2015. Collection method: clinical testing. Allele origin: germline.

GeneDx
Classification: Pathogenic. Last evaluated: 2021-03-23. Review status: criteria provided, single submitter. Criteria: GeneDx Variant Classification Process June 2021. Collection method: clinical testing. Allele origin: germline. Affected: yes.
Comment: In silico analysis, which includes protein predictors and evolutionary conservation, supports a deleterious effect; Not observed in large population cohorts (Lek et al., 2016); This variant is associated with the following publications: (PMID: 31096240, 23014460)

Bioscientia Institut fuer Medizinische Diagnostik GmbH, Sonic Healthcare
Classification: Pathogenic for Focal segmental glomerulosclerosis 5. Last evaluated: 2018-05-17. Review status: no assertion criteria provided. Collection method: clinical testing. Allele origin: germline. Affected: yes. Not counted in ClinVar's aggregate classification.

NM_022489.4(INF2):c.217G>A (p.Gly73Ser)

Gene: INF2 (inverted formin 2; plus strand). Cytogenetic location: 14q32.33.
Variant type: single nucleotide variant.
Coding change: c.217G>A on transcript NM_022489.4 (MANE Select); coding-DNA position 217, G replaced by A.
Protein change: p.Gly73Ser; replaces glycine 73 with serine.
Molecular consequence: missense variant.
Genome position (GRCh38, 1-based): chr14:104,701,582, G>A. VCF-style: chr14-104701582-G-A. GRCh37 (hg19) VCF-style: chr14-105167919-G-A.
Other names: c.217G>A, p.Gly73Ser (NM_001031714.4, NM_032714.3); short protein forms G73S.
Identifiers: ClinVar variation 599131 (VCV000599131.6), dbSNP rs1566777560, ClinGen allele CA391225522.